The following is an entry in ClinVar:

NM_023083.4(CAPN10):c.1990-7T>C

Gene: CAPN10 (calpain 10; plus strand). Cytogenetic location: 2q37.3.
Variant type: single nucleotide variant.
Coding change: c.1990-7T>C on transcript NM_023083.4 (MANE Select); 7 bases into the intron before coding-DNA position 1990, T replaced by C.
Molecular consequence: intron variant.
Genome position (GRCh38, 1-based): chr2:240,598,644, T>C. VCF-style: chr2-240598644-T-C. GRCh37 (hg19) VCF-style: chr2-241538061-T-C.
Other names: c.1525-7T>C (NM_023085.4).
Identifiers: ClinVar variation 3056974 (VCV003056974.2), dbSNP rs55878652, ClinGen allele CA2206075.

ClinVar aggregate classification (germline): Benign (0 of 4 stars; one submission).

Conditions:
CAPN10-related disorder. Also called: CAPN10-related condition; CAPN10-related disorders.

Allele frequency attached by ClinVar (database versions not stated): TOPMed 0.11569; ESP Exome Variant Server 0.11788; 1000 Genomes Project 30x 0.12024; 1000 Genomes Project 0.12041; gnomAD 0.12747; gnomAD exomes 0.16185; ExAC 0.19147.
gnomAD v4.1: 248,992 of 1,574,684 alleles (16%); highest among the groups gnomAD compares: South Asian, 19%; 20,951 homozygotes.

Submission:

PreventionGenetics, part of Exact Sciences
Classification: Benign for CAPN10-related condition. Last evaluated: 2019-10-17. Review status: no assertion criteria provided. Collection method: clinical testing. Allele origin: germline.
Comment: This variant is classified as benign based on ACMG/AMP sequence variant interpretation guidelines (Richards et al. 2015 PMID: 25741868, with internal and published modifications).